The following is an entry in ClinVar:

ClinVar aggregate classification (germline): Uncertain significance (1 of 4 stars; one submission).

Submission:

GeneDx
Classification: Uncertain significance. Last evaluated: 2023-01-16. Review status: criteria provided, single submitter. Criteria: GeneDx Variant Classification Process June 2021. Collection method: clinical testing. Allele origin: germline. Affected: yes.
Comment: Not observed at significant frequency in large population cohorts (gnomAD); In silico analysis supports that this missense variant has a deleterious effect on protein structure/function; Has not been previously published as pathogenic or benign to our knowledge; This variant is associated with the following publications: (PMID: 23365099)

NM_001195553.2(DCX):c.596T>G (p.Leu199Arg)

Gene: DCX (doublecortin; minus strand). Cytogenetic location: Xq23.
Variant type: single nucleotide variant.
Coding change: c.596T>G on transcript NM_001195553.2 (MANE Select); coding-DNA position 596, T replaced by G.
Protein change: p.Leu199Arg; replaces leucine 199 with arginine.
Molecular consequence: missense variant.
Genome position (GRCh38, 1-based): chrX:111,401,099, A>C on the plus strand (T>G on the coding strand, the complement: DCX is on the minus strand). VCF-style: chrX-111401099-A-C. GRCh37 (hg19) VCF-style: chrX-110644327-A-C.
Other names: c.839T>G, p.Leu280Arg (NM_000555.3); c.596T>G, p.Leu199Arg (NM_001369370.1, NM_001369371.1, NM_001369372.1 and 6 more transcripts); short protein forms L199R, L280R.
Identifiers: ClinVar variation 2572902 (VCV002572902.1), dbSNP rs587783569, ClinGen allele CA414246032.